The following is an entry in ClinVar:

ClinVar aggregate classification (germline): Uncertain significance. Review status: criteria provided, multiple submitters, no conflicts (2 of 4 stars). 2 submissions from 2 submitters: Uncertain significance (2). Last evaluated 2025-05-27.

Conditions:
Hereditary cancer-predisposing syndrome. Also called: Hereditary neoplastic syndrome; Tumor predisposition; Hereditary Cancer Syndrome; Neoplastic Syndromes, Hereditary. Identifiers: Orphanet 140162, MedGen C0027672, MeSH D009386, MONDO:0015356.
POLD1-related polyposis and colorectal cancer syndrome (CRCS10). Also called: Colorectal cancer, susceptibility to, 10; Colorectal cancer 10; COLORECTAL CANCER, SUSCEPTIBILITY TO, ON CHROMOSOME 19q. Identifiers: Orphanet 220460, MedGen C2675481, MONDO:0012953, OMIM 612591.

gnomAD v4.1: 1 of 1,612,984 alleles (0.000062%); highest among the groups gnomAD compares: East Asian, 0.0022%; no homozygotes.

Submissions (2):

Labcorp Genetics (formerly Invitae), Labcorp
Classification: Uncertain significance for POLD1-related polyposis and colorectal cancer syndrome. Last evaluated: 2025-05-27. Review status: criteria provided, single submitter. Criteria: Invitae Variant Classification Sherloc (09022015). Collection method: clinical testing. Allele origin: germline.
Comment: This sequence change replaces valine, which is neutral and non-polar, with methionine, which is neutral and non-polar, at codon 256 of the POLD1 protein (p.Val256Met). This variant is not present in population databases (gnomAD no frequency). This variant has not been reported in the literature in individuals affected with POLD1-related conditions. ClinVar contains an entry for this variant (Variation ID: 661441). Invitae Evidence Modeling of protein sequence and biophysical properties (such as structural, functional, and spatial information, amino acid conservation, physicochemical variation, residue mobility, and thermodynamic stability) indicates that this missense variant is expected to disrupt POLD1 protein function with a positive predictive value of 80%. In summary, the available evidence is currently insufficient to determine the role of this variant in disease. Therefore, it has been classified as a Variant of Uncertain Significance.

Ambry Genetics
Classification: Uncertain significance for Hereditary cancer-predisposing syndrome. Last evaluated: 2024-07-31. Review status: criteria provided, single submitter. Criteria: Ambry Variant Classification Scheme 2023. Collection method: clinical testing. Allele origin: germline.
Comment: The p.V256M variant (also known as c.766G>A), located in coding exon 6 of the POLD1 gene, results from a G to A substitution at nucleotide position 766. The valine at codon 256 is replaced by methionine, an amino acid with highly similar properties. This amino acid position is conserved. In addition, the in silico prediction for this alteration is inconclusive. Based on the available evidence, the clinical significance of this variant remains unclear.

NM_002691.4(POLD1):c.766G>A (p.Val256Met)

Gene: POLD1 (DNA polymerase delta 1, catalytic subunit; plus strand). Cytogenetic location: 19q13.33.
Variant type: single nucleotide variant.
Coding change: c.766G>A on transcript NM_002691.4 (MANE Select); coding-DNA position 766, G replaced by A.
Protein change: p.Val256Met; replaces valine 256 with methionine.
Molecular consequence: missense variant. On other transcripts: non-coding transcript variant (1).
Genome position (GRCh38, 1-based): chr19:50,402,461, G>A. VCF-style: chr19-50402461-G-A. GRCh37 (hg19) VCF-style: chr19-50905718-G-A.
Other names: c.766G>A, p.Val256Met (NM_001256849.1, NM_001308632.1); c.766G>A (NM_002691.2); short protein forms V256M.
Identifiers: ClinVar variation 661441 (VCV000661441.11), dbSNP rs746195458, ClinGen allele CA406974791.